The following is an entry in ClinVar:

ClinVar aggregate classification (germline): Uncertain significance. Review status: criteria provided, multiple submitters, no conflicts (2 of 4 stars). 4 submissions from 4 submitters: Uncertain significance (4). Last evaluated 2026-01-26.

Conditions:
Hereditary cancer-predisposing syndrome. Also called: Hereditary neoplastic syndrome; Neoplastic Syndromes, Hereditary; Tumor predisposition; Hereditary Cancer Syndrome. Identifiers: Orphanet 140162, MedGen C0027672, MeSH D009386, MONDO:0015356.
Familial adenomatous polyposis 1 (FAP1). Also called: FAMILIAL ADENOMATOUS POLYPOSIS 1, ATTENUATED; POLYPOSIS, ADENOMATOUS INTESTINAL. Identifiers: MedGen C2713442, MONDO:0021056, OMIM 175100. Disease mechanism: loss of function.

Allele frequency attached by ClinVar (database versions not stated): gnomAD exomes below 0.00001.
gnomAD v4.1: 2 of 1,613,382 alleles (0.00012%); highest among the groups gnomAD compares: Non-Finnish European, 0.00017%; no homozygotes.

Submissions (4):

Labcorp Genetics (formerly Invitae), Labcorp
Classification: Uncertain significance for Familial adenomatous polyposis 1. Last evaluated: 2026-01-26. Review status: criteria provided, single submitter. Criteria: Invitae Variant Classification Sherloc (09022015). Collection method: clinical testing. Allele origin: germline.
Comment: This sequence change replaces glutamine, which is neutral and polar, with proline, which is neutral and non-polar, at codon 1244 of the APC protein (p.Gln1244Pro). This variant is not present in population databases (gnomAD no frequency). This variant has not been reported in the literature in individuals affected with APC-related conditions. ClinVar contains an entry for this variant (Variation ID: 2787768). Invitae Evidence Modeling of protein sequence and biophysical properties (such as structural, functional, and spatial information, amino acid conservation, physicochemical variation, residue mobility, and thermodynamic stability) indicates that this missense variant is not expected to disrupt APC protein function with a negative predictive value of 95%. In summary, the available evidence is currently insufficient to determine the role of this variant in disease. Therefore, it has been classified as a Variant of Uncertain Significance.

Color Diagnostics, LLC DBA Color Health
Classification: Uncertain significance for Hereditary cancer-predisposing syndrome. Last evaluated: 2025-09-08. Review status: criteria provided, single submitter. Criteria: ACMG Guidelines, 2015. Collection method: clinical testing. Allele origin: germline.
Comment: This missense variant replaces glutamine with proline at codon 1244 of the APC protein. Computational prediction suggests that this variant may not impact protein structure and function. To our knowledge, functional studies have not been reported for this variant. This variant has not been reported in individuals affected with APC-related disorders in the literature. This variant has not been identified in the general population by the Genome Aggregation Database (gnomAD). The available evidence is insufficient to determine the role of this variant in disease conclusively. Therefore, this variant is classified as a Variant of Uncertain Significance.

Molecular Pathology, Peter Maccallum Cancer Centre
Classification: Uncertain significance for Familial adenomatous polyposis 1. Last evaluated: 2025-04-11. Review status: criteria provided, single submitter. Criteria: ACMG Guidelines, 2015. Collection method: clinical testing. Allele origin: germline. Inheritance: Autosomal dominant inheritance.

Ambry Genetics
Classification: Uncertain significance for Hereditary cancer-predisposing syndrome. Last evaluated: 2024-04-15. Review status: criteria provided, single submitter. Criteria: Ambry Variant Classification Scheme 2023. Collection method: clinical testing. Allele origin: germline.
Comment: The p.Q1244P variant (also known as c.3731A>C), located in coding exon 15 of the APC gene, results from an A to C substitution at nucleotide position 3731. The glutamine at codon 1244 is replaced by proline, an amino acid with similar properties. This amino acid position is conserved. In addition, in silico predictors for this gene do not accurately predict pathogenicity. Based on the available evidence, the clinical significance of this variant remains unclear.

NM_000038.6(APC):c.3731A>C (p.Gln1244Pro)

Gene: APC (APC regulator of Wnt signaling pathway; plus strand). Cytogenetic location: 5q22.2.
Variant type: single nucleotide variant.
Coding change: c.3731A>C on transcript NM_000038.6 (MANE Select); coding-DNA position 3731, A replaced by C.
Protein change: p.Gln1244Pro; replaces glutamine 1244 with proline.
Molecular consequence: missense variant. On other transcripts: non-coding transcript variant (2).
Genome position (GRCh38, 1-based): chr5:112,839,325, A>C. VCF-style: chr5-112839325-A-C. GRCh37 (hg19) VCF-style: chr5-112175022-A-C.
Other names: c.3731A>C (NM_000038.5); c.3731A>C, p.Gln1244Pro (NM_001127510.3, NM_001354895.2, NM_001407450.1); c.3677A>C, p.Gln1226Pro (NM_001127511.3); c.3785A>C, p.Gln1262Pro (NM_001354896.2, NM_001407447.1, NM_001407448.1 and 1 more transcripts); c.3761A>C, p.Gln1254Pro (NM_001354897.2); c.3656A>C, p.Gln1219Pro (NM_001354898.2); c.3647A>C, p.Gln1216Pro (NM_001354899.2); c.3608A>C, p.Gln1203Pro (NM_001354900.2); and 12 more; short protein forms Q1161P, Q1203P, Q1234P, Q1244P, Q1084P, Q1118P, Q1219P, Q1226P.
Identifiers: ClinVar variation 2787768 (VCV002787768.6), dbSNP rs2149897929, ClinGen allele CA16029518.
Genomic context (GRCh38, chr5:112,839,325, plus strand): 5'-ATGCCAAGAGGCAGAATCAGCTCCATCCAAGTTCTGCACAGAGTAGAAGTGGTCAGCCTC[A>C]AAAGGCTGCCACTTGCAAAGTTTCTTCTATTAACCAAGAAACAATACAGACTTATTGTGT-3'
Protein context (NP_000029.2, residues 1234-1254): SSAQSRSGQP[Gln1244Pro]KAATCKVSSI